The following is an entry in ClinVar:

ClinVar aggregate classification (germline): Uncertain significance (1 of 4 stars; one submission).

Conditions:
Tuberous sclerosis syndrome (TSC). Also called: Tuberous sclerosis; Tuberous Sclerosis Complex. Identifiers: Orphanet 805, MedGen C0041341, MONDO:0001734.

Submission:

St. Jude Molecular Pathology, St. Jude Children's Research Hospital
Classification: Uncertain significance for Tuberous sclerosis syndrome. Last evaluated: 2021-05-27. Review status: criteria provided, single submitter. Criteria: St. Jude Assertion Criteria 2020. Collection method: clinical testing. Allele origin: germline.
Comment: The TSC2 c.3832C>G (p.Leu1278Val) missense change is absent in gnomAD v2.1.1 (PM2_Supporting). Six of seven in silico tools predict a benign effect of this variant on protein function (BP4), but to our knowledge these predictions have not been confirmed by functional assays. To our knowledge, this variant has not been reported in individuals with tuberous sclerosis complex. In summary, this variant meets criteria to be classified as of uncertain significance based on the ACMG/AMP criteria: PM2_Supporting, BP4.

NM_000548.5(TSC2):c.3832C>G (p.Leu1278Val)

Gene: TSC2 (TSC complex subunit 2; plus strand). Cytogenetic location: 16p13.3.
Variant type: single nucleotide variant.
Coding change: c.3832C>G on transcript NM_000548.5 (MANE Select); coding-DNA position 3832, C replaced by G.
Protein change: p.Leu1278Val; replaces leucine 1278 with valine.
Molecular consequence: missense variant. On other transcripts: intron variant (6).
Genome position (GRCh38, 1-based): chr16:2,082,453, C>G. VCF-style: chr16-2082453-C-G. GRCh37 (hg19) VCF-style: chr16-2132454-C-G.
Other names: c.3100C>G, p.Leu1034Val (NM_001318831.2); c.3700C>G, p.Leu1234Val (NM_001370404.1); c.3703C>G, p.Leu1235Val (NM_001370405.1, NM_021055.3); c.3814+655C>G (NM_001114382.3); c.3685+655C>G (NM_001363528.2); c.3682+655C>G (NM_001077183.3); c.3574+655C>G (NM_001318827.2); c.3538+655C>G (NM_001318829.2); and 1 more; short protein forms L1034V, L1234V, L1235V, L1278V.
Identifiers: ClinVar variation 1172744 (VCV001172744.3), dbSNP rs374146919, ClinGen allele CA394294866.